The following is an entry in ClinVar:

NM_020928.2(ZSWIM6):c.122C>T (p.Ala41Val)

Gene: ZSWIM6 (zinc finger SWIM-type containing 6; plus strand). Cytogenetic location: 5q12.1.
Variant type: single nucleotide variant.
Coding change: c.122C>T on transcript NM_020928.2 (MANE Select); coding-DNA position 122, C replaced by T.
Protein change: p.Ala41Val; replaces alanine 41 with valine.
Molecular consequence: missense variant.
Genome position (GRCh38, 1-based): chr5:61,332,394, C>T. VCF-style: chr5-61332394-C-T. GRCh37 (hg19) VCF-style: chr5-60628221-C-T.
Other names: short protein forms A41V.
Identifiers: ClinVar variation 1364025 (VCV001364025.8), dbSNP rs1189008336, ClinGen allele CA359940033.
Genomic context (GRCh38, chr5:61,332,394, plus strand): 5'-GCGGCGGCGGCGGGGGCAGCAGCGGCGGCGGCGGCGGCGCGGGTGGCGGCTACAGCTCTG[C>T]CTGTCGGCCAGGCCCGCGGGCGGGTGGCGCGGCGGCGGCGGCGGCGTGCGGGGGCGGCGC-3'
Protein context (NP_065979.1, residues 31-51): GGGAGGGYSS[Ala41Val]CRPGPRAGGA

ClinVar aggregate classification (germline): Uncertain significance (1 of 4 stars; one submission).

Allele frequency attached by ClinVar (database versions not stated): TOPMed below 0.00001; gnomAD exomes 0.00005.
gnomAD v4.1: 42 of 989,592 alleles (0.0042%); highest among the groups gnomAD compares: Non-Finnish European, 0.0047%; no homozygotes.

Submission:

Labcorp Genetics (formerly Invitae), Labcorp
Classification: Uncertain significance. Last evaluated: 2021-06-28. Review status: criteria provided, single submitter. Criteria: Invitae Variant Classification Sherloc (09022015). Collection method: clinical testing. Allele origin: germline.
Comment: In summary, the available evidence is currently insufficient to determine the role of this variant in disease. Therefore, it has been classified as a Variant of Uncertain Significance. This sequence change replaces alanine with valine at codon 41 of the ZSWIM6 protein (p.Ala41Val). The alanine residue is weakly conserved and there is a small physicochemical difference between alanine and valine. The frequency data for this variant in the population databases is considered unreliable, as metrics indicate insufficient coverage at this position in the ExAC database. This variant has not been reported in the literature in individuals affected with ZSWIM6-related conditions. Algorithms developed to predict the effect of missense changes on protein structure and function are either unavailable or do not agree on the potential impact of this missense change (SIFT: "Deleterious"; PolyPhen-2: "Not Available"; Align-GVGD: "Class C0").